The following is an entry in ClinVar:

ClinVar aggregate classification (germline): Uncertain significance (1 of 4 stars; one submission).

Submission:

GeneDx
Classification: Uncertain significance. Last evaluated: 2025-02-14. Review status: criteria provided, single submitter. Criteria: GeneDx Variant Classification Process June 2021. Collection method: clinical testing. Allele origin: germline. Affected: yes.
Comment: Not observed at significant frequency in large population cohorts (gnomAD); In silico analysis supports that this missense variant has a deleterious effect on protein structure/function; Has not been previously published as pathogenic or benign to our knowledge

NM_003560.4(PLA2G6):c.1015C>T (p.His339Tyr)

Gene: PLA2G6 (phospholipase A2 group VI; minus strand). Cytogenetic location: 22q13.1.
Variant type: single nucleotide variant.
Coding change: c.1015C>T on transcript NM_003560.4 (MANE Select); coding-DNA position 1015, C replaced by T.
Protein change: p.His339Tyr; replaces histidine 339 with tyrosine.
Molecular consequence: missense variant.
Genome position (GRCh38, 1-based): chr22:38,132,893, G>A on the plus strand (C>T on the coding strand, the complement: PLA2G6 is on the minus strand). VCF-style: chr22-38132893-G-A. GRCh37 (hg19) VCF-style: chr22-38528900-G-A.
Other names: c.1015C>T, p.His339Tyr (NM_001004426.3, NM_001199562.3, NM_001349864.2 and 2 more transcripts); c.481C>T, p.His161Tyr (NM_001349867.2, NM_001349869.2); c.337C>T, p.His113Tyr (NM_001349868.2); short protein forms H113Y, H161Y, H339Y.
Identifiers: ClinVar variation 4075586 (VCV004075586.1).